The following is an entry in ClinVar:

ClinVar aggregate classification (germline): Uncertain significance (1 of 4 stars; one submission).

Allele frequency attached by ClinVar (database versions not stated): ExAC 0.00052; 1000 Genomes Project 0.00060; TOPMed 0.00009; gnomAD 0.00015; ESP Exome Variant Server 0.00017; gnomAD exomes 0.00018; 1000 Genomes Project 30x 0.00047.
gnomAD v4.1: 285 of 1,601,618 alleles (0.018%); highest among the groups gnomAD compares: Middle Eastern, 0.2%; 2 homozygotes.

Submission:

CeGaT Center for Human Genetics Tuebingen
Classification: Uncertain significance. Last evaluated: 2022-05-01. Review status: criteria provided, single submitter. Criteria: CeGaT Center For Human Genetics Tuebingen Variant Classification Criteria Version 2. Collection method: clinical testing. Allele origin: germline. Affected: yes. Observed: 1 variant allele.
Comment: MAP4K5: PM2, BP4

NM_006575.6(MAP4K5):c.1354A>G (p.Ile452Val)

Gene: MAP4K5 (mitogen-activated protein kinase kinase kinase kinase 5; minus strand). Cytogenetic location: 14q22.1.
Variant type: single nucleotide variant.
Coding change: c.1354A>G on transcript NM_006575.6 (MANE Select); coding-DNA position 1354, A replaced by G.
Protein change: p.Ile452Val; replaces isoleucine 452 with valine.
Molecular consequence: missense variant.
Genome position (GRCh38, 1-based): chr14:50,444,022, T>C on the plus strand (A>G on the coding strand, the complement: MAP4K5 is on the minus strand). VCF-style: chr14-50444022-T-C. GRCh37 (hg19) VCF-style: chr14-50910740-T-C.
Other names: c.1354A>G, p.Ile452Val (NM_198794.4); short protein forms I452V.
Identifiers: ClinVar variation 2644227 (VCV002644227.24), dbSNP rs373537452, ClinGen allele CA7179740.